The following is an entry in ClinVar:

ClinVar aggregate classification (germline): Uncertain significance (1 of 4 stars; one submission).

Allele frequency attached by ClinVar (database versions not stated): gnomAD exomes below 0.00001; TOPMed below 0.00001; ExAC 0.00001; gnomAD 0.00001.
gnomAD v4.1: 5 of 1,611,558 alleles (0.00031%); highest among the groups gnomAD compares: South Asian, 0.0022%; no homozygotes.

Submission:

Labcorp Genetics (formerly Invitae), Labcorp
Classification: Uncertain significance. Last evaluated: 2024-10-22. Review status: criteria provided, single submitter. Criteria: Invitae Variant Classification Sherloc (09022015). Collection method: clinical testing. Allele origin: germline.
Comment: This sequence change replaces tyrosine, which is neutral and polar, with cysteine, which is neutral and slightly polar, at codon 1949 of the FAT4 protein (p.Tyr1949Cys). This variant is present in population databases (rs760392965, gnomAD 0.003%). This variant has not been reported in the literature in individuals affected with FAT4-related conditions. ClinVar contains an entry for this variant (Variation ID: 1483655). Invitae Evidence Modeling of protein sequence and biophysical properties (such as structural, functional, and spatial information, amino acid conservation, physicochemical variation, residue mobility, and thermodynamic stability) has been performed for this missense variant. However, the output from this modeling did not meet the statistical confidence thresholds required to predict the impact of this variant on FAT4 protein function. In summary, the available evidence is currently insufficient to determine the role of this variant in disease. Therefore, it has been classified as a Variant of Uncertain Significance.

NM_001291303.3(FAT4):c.5846A>G (p.Tyr1949Cys)

Gene: FAT4 (FAT atypical cadherin 4; plus strand). Cytogenetic location: 4q28.1.
Variant type: single nucleotide variant.
Coding change: c.5846A>G on transcript NM_001291303.3 (MANE Select); coding-DNA position 5846, A replaced by G.
Protein change: p.Tyr1949Cys; replaces tyrosine 1949 with cysteine.
Molecular consequence: missense variant.
Genome position (GRCh38, 1-based): chr4:125,408,720, A>G. VCF-style: chr4-125408720-A-G. GRCh37 (hg19) VCF-style: chr4-126329875-A-G.
Other names: c.5846A>G, p.Tyr1949Cys (NM_001291285.3, NM_024582.6); short protein forms Y1949C.
Identifiers: ClinVar variation 1483655 (VCV001483655.4), dbSNP rs760392965, ClinGen allele CA3072803.
Genomic context (GRCh38, chr4:125,408,720, plus strand): 5'-GAGTTTATTTCAATATTCTAGATGTAAATGATAATCCACCTATTTTCAGCTTGAATTCAT[A>G]CAGCACATCTTTAATGGAGAATCTACCTGTGGGATCTACTGTTCTTGTGTTTAATGTTAC-3'
Protein context (NP_001278232.1, residues 1939-1959): DNPPIFSLNS[Tyr1949Cys]STSLMENLPV